The following is an entry in ClinVar:

NM_020719.3(PRR12):c.3508C>T (p.Pro1170Ser)

Gene: PRR12 (proline rich 12; plus strand). Cytogenetic location: 19q13.33.
Variant type: single nucleotide variant.
Coding change: c.3508C>T on transcript NM_020719.3 (MANE Select); coding-DNA position 3508, C replaced by T.
Protein change: p.Pro1170Ser; replaces proline 1170 with serine.
Molecular consequence: missense variant.
Genome position (GRCh38, 1-based): chr19:49,597,843, C>T. VCF-style: chr19-49597843-C-T. GRCh37 (hg19) VCF-style: chr19-50101100-C-T.
Other names: short protein forms P1170S.
Identifiers: ClinVar variation 1176714 (VCV001176714.35), dbSNP rs2122303487, ClinGen allele CA406884543.

ClinVar aggregate classification (germline): Conflicting classifications of pathogenicity. Review status: criteria provided, conflicting classifications (1 of 4 stars). 2 submissions from 2 submitters: Uncertain significance (1); Likely benign (1). Last evaluated 2024-09-20.

Conditions:
Neuroocular syndrome 1 (NOC1). Identifiers: Orphanet 659904, MedGen C5925133, MONDO:0971007, OMIM 619539.

Submissions (2):

3billion
Classification: Likely benign for Neuroocular syndrome 1. Last evaluated: 2024-09-20. Review status: criteria provided, single submitter. Criteria: ACMG Guidelines, 2015. Collection method: clinical testing. Allele origin: germline. Affected: no.
Comment: The variant was identified in at least one patient who was diagnosed with a different variant in another gene and showed no symptoms related to the gene containing the variant in question.

CeGaT Center for Human Genetics Tuebingen
Classification: Uncertain significance. Last evaluated: 2021-06-01. Review status: criteria provided, single submitter. Criteria: CeGaT Center For Human Genetics Tuebingen Variant Classification Criteria Version 2. Collection method: clinical testing. Allele origin: germline. Affected: yes. Observed: 1 variant allele.